The following is an entry in ClinVar:

NM_001048174.2(MUTYH):c.4A>T (p.Arg2Trp)

Gene: MUTYH (mutY DNA glycosylase; minus strand). Cytogenetic location: 1p34.1.
Variant type: single nucleotide variant.
Coding change: c.4A>T on transcript NM_001048174.2 (MANE Select); coding-DNA position 4, A replaced by T.
Protein change: p.Arg2Trp; replaces arginine 2 with tryptophan.
Molecular consequence: missense variant. On other transcripts: 5 prime UTR variant (4), non-coding transcript variant (2).
Genome position (GRCh38, 1-based): chr1:45,334,502, T>A on the plus strand (A>T on the coding strand, the complement: MUTYH is on the minus strand). VCF-style: chr1-45334502-T-A. GRCh37 (hg19) VCF-style: chr1-45800174-T-A.
Other names: c.4A>T, p.Arg2Trp (NM_001048171.2, NM_001048172.2, NM_001048173.2 and 2 more transcripts); c.46A>T, p.Arg16Trp (NM_001128425.2, NM_001293190.2, NM_012222.3); c.-209A>T (NM_001293192.2, NM_001293196.2); c.-268A>T (NM_001350650.2); c.-204A>T (NM_001350651.2); short protein forms R2W, R16W.
Identifiers: ClinVar variation 648995 (VCV000648995.11), dbSNP rs1570466955, ClinGen allele CA340137297.
Genomic context (GRCh38, chr1:45,334,502, plus strand): 5'-TCCCTTCCTGGCTGGCTGCCTGCTTCCTGTGACCACTTCCCACGGCTGCTCGTGGCTTCC[T>A]CATGATGGCCTGAAACAAAAAGACCCAGCCAAAGCAGTCAGTCACAATGAGGCCAAATTT-3'
Protein context (NP_001041639.1, residues 1-12): M[Arg2Trp]KPRAAVGSGH

ClinVar aggregate classification (germline): Uncertain significance. Review status: criteria provided, multiple submitters, no conflicts (2 of 4 stars). 2 submissions from 2 submitters: Uncertain significance (2). Last evaluated 2025-08-27.

Conditions:
Hereditary cancer-predisposing syndrome. Also called: Tumor predisposition; Neoplastic Syndromes, Hereditary; Hereditary Cancer Syndrome; Hereditary neoplastic syndrome. Identifiers: Orphanet 140162, MedGen C0027672, MeSH D009386, MONDO:0015356.
Familial adenomatous polyposis 2. Also called: COLORECTAL ADENOMATOUS POLYPOSIS, AUTOSOMAL RECESSIVE; ADENOMAS, MULTIPLE COLORECTAL, AUTOSOMAL RECESSIVE; MYH-associated polyposis; MUTYH Polyposis; Adenomas, multiple colorectal; MUTYH-associated polyposis. Identifiers: Orphanet 220460, Orphanet 247798, MedGen C3272841, MONDO:0012041, OMIM 608456.

Allele frequency attached by ClinVar (database versions not stated): gnomAD exomes below 0.00001.
gnomAD v4.1: 1 of 1,614,028 alleles (0.000062%); highest among the groups gnomAD compares: Non-Finnish European, 0.000085%; no homozygotes.

Submissions (2):

Ambry Genetics
Classification: Uncertain significance for Hereditary cancer-predisposing syndrome. Last evaluated: 2025-08-27. Review status: criteria provided, single submitter. Criteria: Ambry Variant Classification Scheme 2023. Collection method: clinical testing. Allele origin: germline.
Comment: The p.R16W variant (also known as c.46A>T), located in coding exon 2 of the MUTYH gene, results from an A to T substitution at nucleotide position 46. The arginine at codon 16 is replaced by tryptophan, an amino acid with dissimilar properties. This amino acid position is conserved. In addition, this alteration is predicted to be tolerated by in silico analysis. Based on the available evidence, the clinical significance of this variant remains unclear.

Labcorp Genetics (formerly Invitae), Labcorp
Classification: Uncertain significance for Familial adenomatous polyposis 2. Last evaluated: 2019-01-16. Review status: criteria provided, single submitter. Criteria: Invitae Variant Classification Sherloc (09022015). Collection method: clinical testing. Allele origin: germline.
Comment: In summary, the available evidence is currently insufficient to determine the role of this variant in disease. Therefore, it has been classified as a Variant of Uncertain Significance. Algorithms developed to predict the effect of missense changes on protein structure and function are either unavailable or do not agree on the potential impact of this missense change (SIFT: "Deleterious"; PolyPhen-2: "Possibly Damaging"; Align-GVGD: "Class C0"). This variant has not been reported in the literature in individuals with MUTYH-related disease. This variant is not present in population databases (ExAC no frequency). This sequence change replaces arginine with tryptophan at codon 16 of the MUTYH protein (p.Arg16Trp). The arginine residue is weakly conserved and there is a moderate physicochemical difference between arginine and tryptophan.